The following is an entry in ClinVar:

ClinVar aggregate classification (germline): Uncertain significance (1 of 4 stars; one submission).

Submission:

Labcorp Genetics (formerly Invitae), Labcorp
Classification: Uncertain significance. Last evaluated: 2023-08-07. Review status: criteria provided, single submitter. Criteria: Invitae Variant Classification Sherloc (09022015). Collection method: clinical testing. Allele origin: germline.
Comment: This sequence change falls in intron 14 of the AGBL5 gene. It does not directly change the encoded amino acid sequence of the AGBL5 protein. Information on the frequency of this variant in the gnomAD database is not available, as this variant may be reported differently in the database. This variant has not been reported in the literature in individuals affected with AGBL5-related conditions. Experimental studies and prediction algorithms are not available or were not evaluated, and the effect of this variant on mRNA splicing is currently unknown. In summary, the available evidence is currently insufficient to determine the role of this variant in disease. Therefore, it has been classified as a Variant of Uncertain Significance.

NM_021831.6(AGBL5):c.2490-19_2490-18delinsAT

Gene: AGBL5 (AGBL carboxypeptidase 5; plus strand). Cytogenetic location: 2p23.3.
Variant type: Indel.
Coding change: c.2490-19_2490-18delinsAT on transcript NM_021831.6 (MANE Select); 19 bases into the intron before coding-DNA position 2490 through 18 bases into the intron before coding-DNA position 2490, TC replaced by AT.
Molecular consequence: intron variant.
Genome position (GRCh38, 1-based): chr2:27,070,073-27,070,074, TC replaced by AT. VCF-style: chr2-27070073-TC-AT. GRCh37 (hg19) VCF-style: chr2-27292941-TC-AT.
Identifiers: ClinVar variation 2751060 (VCV002751060.3), dbSNP rs2465563438, ClinGen allele CA2697547855.
Genomic context (GRCh38, chr2:27,070,073, plus strand): 5'-ACTTCCCAGCCCCTGGTTAGCAGAACAGAAGAGGAGGAGAGTTTTCACAGCCCTGATTCC[TC>AT]TCTCTTTTCTGTTGCAGGCTGCCTCAGGCCAGGCCCCCACGGCCCCGCTCTGCCCCTGCC-3'